The following is an entry in ClinVar:

NM_000486.6(AQP2):c.*1228T>G

Genes: AQP2 (aquaporin 2; plus strand), AQP5-AS1 (AQP5 and AQP2 antisense RNA 2; minus strand). Cytogenetic location: 12q13.12.
Variant type: single nucleotide variant.
Coding change: c.*1228T>G on transcript NM_000486.6 (MANE Select); 1228 bases downstream of the stop codon, T replaced by G.
Molecular consequence: 3 prime UTR variant.
Genome position (GRCh38, 1-based): chr12:49,956,836, T>G. VCF-style: chr12-49956836-T-G. GRCh37 (hg19) VCF-style: chr12-50350619-T-G.
Identifiers: ClinVar variation 309252 (VCV000309252.6), dbSNP rs77904078, ClinGen allele CA10642585.
Genomic context (GRCh38, chr12:49,956,836, plus strand): 5'-CCAGTCCTCAGGCAGCAGCTTTTCCACCCCAGGAATCTCTGTTCCTTCTCTGTCTGCCTC[T>G]CCACAGCCCGTGATCCCCTGCTTCTGGCTCCTACCACTGGACAGTCATTGTGGATAGAGC-3'

ClinVar aggregate classification (germline): Benign. Review status: criteria provided, multiple submitters, no conflicts (2 of 4 stars). 2 submissions from 2 submitters: Benign (2). Last evaluated 2018-01-13.

Conditions:
Diabetes insipidus, nephrogenic, autosomal (NDI2). Also called: Nephrogenic Diabetes Insipidus, Type II; Diabetes insipidus, nephrogenic, 2, autosomal. Identifiers: Orphanet 223, MedGen C1563706, MONDO:0007451, OMIM 125800.

Allele frequency attached by ClinVar (database versions not stated): gnomAD exomes 0.01111; gnomAD 0.03005 and 0.03079; TOPMed 0.03296; 1000 Genomes Project 30x 0.05887; 1000 Genomes Project 0.05970.
gnomAD v4.1: 4,669 of 152,582 alleles (3.1%); highest among the groups gnomAD compares: East Asian, 15%; 155 homozygotes.

Submissions (2):

Illumina Laboratory Services, Illumina
Classification: Benign for Diabetes insipidus, nephrogenic, autosomal. Last evaluated: 2018-01-13. Review status: criteria provided, single submitter. Criteria: ICSL Variant Classification Criteria 13 December 2019. Collection method: clinical testing. Allele origin: germline.
Comment: This variant was observed in the ICSL laboratory as part of a predisposition screen in an ostensibly healthy population. It had not been previously curated by ICSL or reported in the Human Gene Mutation Database (HGMD: prior to June 1st, 2018), and was therefore a candidate for classification through an automated scoring system. Utilizing variant allele frequency, disease prevalence and penetrance estimates, and inheritance mode, an automated score was calculated to assess if this variant is too frequent to cause the disease. Based on the score and internal cut-off values, a variant classified as benign is not then subjected to further curation. The score for this variant resulted in a classification of benign for this disease.

Breakthrough Genomics
Classification: Benign. Review status: criteria provided, single submitter. Criteria: ACMG Guidelines, 2015. Collection method: not provided. Allele origin: germline. Inheritance: Autosomal dominant inheritance. Affected: yes.